The following is an entry in ClinVar:

NC_000016.9:g.(?_89818536)_(89839802_?)del

Gene: FANCA (FA complementation group A; minus strand). Cytogenetic location: 16q24.3.
Variant type: Deletion.
Identifiers: ClinVar variation 1071365 (VCV001071365.6).

ClinVar aggregate classification (germline): Pathogenic (1 of 4 stars; one submission).

Conditions:
Fanconi anemia (FA). Also called: Fanconi's anemia. Identifiers: Orphanet 84, MedGen C0015625, MeSH D005199, MONDO:0019391.

Submission:

Labcorp Genetics (formerly Invitae), Labcorp
Classification: Pathogenic for Fanconi anemia. Last evaluated: 2022-02-03. Review status: criteria provided, single submitter. Criteria: Invitae Variant Classification Sherloc (09022015). Collection method: clinical testing. Allele origin: germline.
Comment: For these reasons, this variant has been classified as Pathogenic. This variant has not been reported in the literature in individuals affected with FANCA-related conditions. This variant is a gross deletion of the genomic region encompassing exon(s) 22-31 of the FANCA gene. This deletion is out-of-frame, and is expected to create a premature termination codon and result in an absent or disrupted protein product. Loss-of-function variants in FANCA are known to be pathogenic (PMID: 19367192).

Literature cited by the submitters: PubMed 19367192.